The following is an entry in ClinVar:

ClinVar aggregate classification (germline): Uncertain significance. Review status: criteria provided, multiple submitters, no conflicts (2 of 4 stars). 2 submissions from 2 submitters: Uncertain significance (2). Last evaluated 2025-12-10.

Conditions:
Hereditary cancer-predisposing syndrome. Also called: Hereditary neoplastic syndrome; Neoplastic Syndromes, Hereditary; Tumor predisposition; Hereditary Cancer Syndrome. Identifiers: Orphanet 140162, MedGen C0027672, MeSH D009386, MONDO:0015356.
Hereditary breast ovarian cancer syndrome. Also called: BRCA1- and BRCA2-Associated Hereditary Breast and Ovarian Cancer; Hereditary breast and ovarian cancer; Hereditary breast and/or ovarian cancer syndrome; Hereditary breast and ovarian cancer syndrome (HBOC); Breast and ovarian cancer; Hereditary breast and ovarian cancer syndrome. Identifiers: Orphanet 145, MedGen C0677776, MeSH D061325, MONDO:0003582. Disease mechanism: loss of function.

Submissions (2):

Ambry Genetics
Classification: Uncertain significance for Hereditary cancer-predisposing syndrome. Last evaluated: 2025-12-10. Review status: criteria provided, single submitter. Criteria: Ambry Variant Classification Scheme 2023. Collection method: clinical testing. Allele origin: germline.
Comment: The p.I3259F variant (also known as c.9775A>T), located in coding exon 26 of the BRCA2 gene, results from an A to T substitution at nucleotide position 9775. The isoleucine at codon 3259 is replaced by phenylalanine, an amino acid with highly similar properties. This amino acid position is conserved. In addition, this alteration is predicted to be tolerated by in silico analysis. Based on the available evidence, the clinical significance of this variant remains unclear.

Labcorp Genetics (formerly Invitae), Labcorp
Classification: Uncertain significance for Hereditary breast ovarian cancer syndrome. Last evaluated: 2021-08-07. Review status: criteria provided, single submitter. Criteria: Invitae Variant Classification Sherloc (09022015). Collection method: clinical testing. Allele origin: germline.
Comment: This sequence change replaces isoleucine with phenylalanine at codon 3259 of the BRCA2 protein (p.Ile3259Phe). The isoleucine residue is weakly conserved and there is a small physicochemical difference between isoleucine and phenylalanine. This variant is not present in population databases (ExAC no frequency). This variant has not been reported in the literature in individuals affected with BRCA2-related conditions. Advanced modeling of protein sequence and biophysical properties (such as structural, functional, and spatial information, amino acid conservation, physicochemical variation, residue mobility, and thermodynamic stability) performed at Invitae indicates that this missense variant is not expected to disrupt BRCA2 protein function. In summary, the available evidence is currently insufficient to determine the role of this variant in disease. Therefore, it has been classified as a Variant of Uncertain Significance.

NM_000059.4(BRCA2):c.9775A>T (p.Ile3259Phe)

Gene: BRCA2 (BRCA2 DNA repair associated; plus strand). Cytogenetic location: 13q13.1.
Variant type: single nucleotide variant.
Coding change: c.9775A>T on transcript NM_000059.4 (MANE Select); coding-DNA position 9775, A replaced by T.
Protein change: p.Ile3259Phe; replaces isoleucine 3259 with phenylalanine.
Molecular consequence: missense variant.
Genome position (GRCh38, 1-based): chr13:32,398,288, A>T. VCF-style: chr13-32398288-A-T. GRCh37 (hg19) VCF-style: chr13-32972425-A-T.
Other names: c.9775A>T (NM_000059.3); short protein forms I3259F.
Identifiers: ClinVar variation 1508075 (VCV001508075.7), dbSNP rs2137663724, ClinGen allele CA387765852.